The following is an entry in ClinVar:

NM_016333.4(SRRM2):c.2392C>T (p.Arg798Cys)

Gene: SRRM2 (serine/arginine repetitive matrix 2; plus strand). Cytogenetic location: 16p13.3.
Variant type: single nucleotide variant.
Coding change: c.2392C>T on transcript NM_016333.4 (MANE Select); coding-DNA position 2392, C replaced by T.
Protein change: p.Arg798Cys; replaces arginine 798 with cysteine.
Molecular consequence: missense variant.
Genome position (GRCh38, 1-based): chr16:2,762,920, C>T. VCF-style: chr16-2762920-C-T. GRCh37 (hg19) VCF-style: chr16-2812921-C-T.
Other names: short protein forms R798C.
Identifiers: ClinVar variation 3962221 (VCV003962221.2).

ClinVar aggregate classification (germline): Conflicting classifications of pathogenicity. Review status: criteria provided, conflicting classifications (1 of 4 stars). 2 submissions from 2 submitters: Uncertain significance (1); Likely benign (1). Last evaluated 2025-12-29.

Conditions:
Inborn genetic diseases. Identifiers: MedGen C0950123, MeSH D030342.

Submissions (2):

Women's Health and Genetics/Laboratory Corporation of America, LabCorp
Classification: Uncertain significance. Last evaluated: 2025-12-29. Review status: criteria provided, single submitter. Criteria: LabCorp Variant Classification Summary - May 2015. Collection method: clinical testing. Allele origin: germline.
Comment: Variant summary: SRRM2 c.2392C>T (p.Arg798Cys) results in a non-conservative amino acid change in the encoded protein sequence. Algorithms developed to predict the effect of missense changes on protein structure and function are either unavailable or do not agree on the potential impact of this missense change. The variant allele was found at a frequency of 0.00012 in 1602944 control chromosomes (gnomAD). The occurrence in several carriers suggests that this variant is likely not associated with a high penetrance, severe, early onset disease phenotype in heterozygous state. To our knowledge, no occurrence of c.2392C>T in individuals affected with SRRM2-related conditions and no experimental evidence demonstrating its impact on protein function have been reported. No submitters have cited clinical-significance assessments for this variant to ClinVar. Based on the evidence outlined above, the variant was classified as VUS-possibly benign.

Ambry Genetics
Classification: Likely benign for Inborn genetic diseases. Last evaluated: 2025-04-11. Review status: criteria provided, single submitter. Criteria: Ambry Variant Classification Scheme 2023. Collection method: clinical testing. Allele origin: germline.